The following is an entry in ClinVar:

NM_001042492.3(NF1):c.2380T>A (p.Tyr794Asn)

Gene: NF1 (neurofibromin 1; plus strand). Cytogenetic location: 17q11.2.
Variant type: single nucleotide variant.
Coding change: c.2380T>A on transcript NM_001042492.3 (MANE Select); coding-DNA position 2380, T replaced by A.
Protein change: p.Tyr794Asn; replaces tyrosine 794 with asparagine.
Molecular consequence: missense variant.
Genome position (GRCh38, 1-based): chr17:31,227,577, T>A. VCF-style: chr17-31227577-T-A. GRCh37 (hg19) VCF-style: chr17-29554595-T-A.
Other names: c.2380T>A, p.Tyr794Asn (NM_000267.4); short protein forms Y794N.
Identifiers: ClinVar variation 1957068 (VCV001957068.5), dbSNP rs2151427559, ClinGen allele CA398983215.

ClinVar aggregate classification (germline): Uncertain significance (1 of 4 stars; one submission).

Conditions:
Neurofibromatosis, type 1 (NF1). Also called: NEUROFIBROMATOSIS, TYPE I, SOMATIC; Peripheral type neurofibromatosis; VON RECKLINGHAUSEN DISEASE; Neurofibromatosis, type I. Identifiers: Orphanet 636, MedGen C0027831, MONDO:0018975, OMIM 162200. Disease mechanism: loss of function.

Submission:

Labcorp Genetics (formerly Invitae), Labcorp
Classification: Uncertain significance for Neurofibromatosis, type 1. Last evaluated: 2024-05-15. Review status: criteria provided, single submitter. Criteria: Invitae Variant Classification Sherloc (09022015). Collection method: clinical testing. Allele origin: germline.
Comment: This sequence change replaces tyrosine, which is neutral and polar, with asparagine, which is neutral and polar, at codon 794 of the NF1 protein (p.Tyr794Asn). This variant is not present in population databases (gnomAD no frequency). This variant has not been reported in the literature in individuals affected with NF1-related conditions. ClinVar contains an entry for this variant (Variation ID: 1957068). Advanced modeling of protein sequence and biophysical properties (such as structural, functional, and spatial information, amino acid conservation, physicochemical variation, residue mobility, and thermodynamic stability) has been performed at Invitae for this missense variant, however the output from this modeling did not meet the statistical confidence thresholds required to predict the impact of this variant on NF1 protein function. In summary, the available evidence is currently insufficient to determine the role of this variant in disease. Therefore, it has been classified as a Variant of Uncertain Significance.